The following is an entry in ClinVar:

ClinVar aggregate classification (germline): Uncertain significance (1 of 4 stars; one submission).

Conditions:
Early-infantile DEE. Also called: Early infantile epileptic encephalopathy; Ohtahara syndrome; Early infantile epileptic encephalopathy with suppression bursts. Identifiers: Orphanet 1934, MedGen C0393706, MONDO:0800491.

Submission:

Labcorp Genetics (formerly Invitae), Labcorp
Classification: Uncertain significance for Early-infantile DEE. Last evaluated: 2024-06-28. Review status: criteria provided, single submitter. Criteria: Invitae Variant Classification Sherloc (09022015). Collection method: clinical testing. Allele origin: germline.
Comment: This sequence change replaces threonine, which is neutral and polar, with isoleucine, which is neutral and non-polar, at codon 1379 of the SCN1A protein (p.Thr1379Ile). This variant is not present in population databases (gnomAD no frequency). This variant has not been reported in the literature in individuals affected with SCN1A-related conditions. Advanced modeling of protein sequence and biophysical properties (such as structural, functional, and spatial information, amino acid conservation, physicochemical variation, residue mobility, and thermodynamic stability) performed at Invitae indicates that this missense variant is not expected to disrupt SCN1A protein function with a negative predictive value of 95%. In summary, the available evidence is currently insufficient to determine the role of this variant in disease. Therefore, it has been classified as a Variant of Uncertain Significance.

NM_001165963.4(SCN1A):c.4136C>T (p.Thr1379Ile)

Genes: SCN1A (sodium voltage-gated channel alpha subunit 1; minus strand), LOC102724058 (uncharacterized LOC102724058; plus strand). Cytogenetic location: 2q24.3.
Variant type: single nucleotide variant.
Coding change: c.4136C>T on transcript NM_001165963.4 (MANE Select); coding-DNA position 4136, C replaced by T.
Protein change: p.Thr1379Ile; replaces threonine 1379 with isoleucine.
Molecular consequence: missense variant. On other transcripts: non-coding transcript variant (1).
Genome position (GRCh38, 1-based): chr2:166,002,620, G>A on the plus strand (C>T on the coding strand, the complement: SCN1A is on the minus strand). VCF-style: chr2-166002620-G-A. GRCh37 (hg19) VCF-style: chr2-166859130-G-A.
Other names: c.4136C>T, p.Thr1379Ile (NM_001202435.3, NM_001353948.2); c.4103C>T, p.Thr1368Ile (NM_001353949.2, NM_001353950.2, NM_001353951.2 and 2 more transcripts); c.4100C>T, p.Thr1367Ile (NM_001353954.2, NM_001353955.2); c.4052C>T, p.Thr1351Ile (NM_001353957.2, NM_001165964.3, NM_001353958.2); c.4049C>T, p.Thr1350Ile (NM_001353960.2); c.1694C>T, p.Thr565Ile (NM_001353961.2); short protein forms T1379I, T1350I, T1367I, T565I, T1351I, T1368I.
Identifiers: ClinVar variation 3634018 (VCV003634018.2).